The following continues an entry in ClinVar:

NM_058216.3(RAD51C):c.376G>A (p.Ala126Thr)

Gene: RAD51C. ClinVar aggregate classification (germline): Benign/Likely benign. Benign (14); Likely benign (10).

Submissions 24 to 33 of 33:

PreventionGenetics, part of Exact Sciences
Classification: Likely benign. Review status: criteria provided, single submitter. Criteria: ACMG Guidelines, 2015. Collection method: clinical testing. Allele origin: germline.

True Health Diagnostics
Classification: Likely benign for Hereditary cancer-predisposing syndrome. Last evaluated: 2017-12-01. Review status: no assertion criteria provided. Collection method: clinical testing. Allele origin: germline. Not counted in ClinVar's aggregate classification.

Counsyl
Classification: Likely benign for Fanconi anemia complementation group O. Last evaluated: 2016-06-10. Review status: no assertion criteria provided. Collection method: clinical testing. Allele origin: unknown. Not counted in ClinVar's aggregate classification.

Counsyl
Classification: Likely benign for Breast-ovarian cancer, familial, susceptibility to, 3. Last evaluated: 2016-06-10. Review status: no assertion criteria provided. Collection method: clinical testing. Allele origin: unknown. Not counted in ClinVar's aggregate classification.

Clinical Genetics Laboratory, Department of Pathology, Netherlands Cancer Institute
Classification: Likely benign. Review status: no assertion criteria provided. Collection method: clinical testing. Allele origin: germline. Affected: yes. Study: VKGL Data-share Consensus. Not counted in ClinVar's aggregate classification.

Department of Pathology and Laboratory Medicine, Sinai Health System
Classification: Benign for Malignant tumor of breast. Review status: no assertion criteria provided. Collection method: clinical testing. Allele origin: unknown. Affected: yes. Observed: 1 variant allele. Study: The Canadian Open Genetics Repository (COGR). Not counted in ClinVar's aggregate classification.
Comment: The RAD51C p.Ala126Thr variant was identified in 70 of 11449 proband chromosomes (frequency: 0.006) from individuals or families with hereditary breast and ovarian cancer (Akbari_2010_20723205, Blanco_2014_25086635, Clague_2011_21980511, Coulet_2013_22725699, Jonson_2015_26740214, Kushnir_2012_23117857, Leeneer_2012_22370629, Lu_2012_22476429, Meindl_2009_20400964, Romero_2011_ 21537932, Scheckenbach_2014_24315737, Thompson_2012_21990120, Vuorela_2011_21750962, Wong_2011_21409391). The variant was also identified in dbSNP (ID: rs61758784) as â€šÃ„ÃºWith other alleleâ€šÃ„Ã¹, ClinVar (as likely benign by PreventionGenetics and Counsyl, as benign by Invitae, GeneDx, Ambry Genetics, Color Genomics, and Quest Diagnostics), Clinvitae (as benign and likely benign), LOVD 3.0 (9x), and Zhejiang Colon Cancer Database (2x). The variant was not identified in Cosmic or MutDB databases. The variant was identified in control databases in 955 of 275828 chromosomes (3 homozygous) at a frequency of 0.003462 increasing the likelihood this could be a low frequency benign variant (Genome Aggregation Database Feb 27, 2017). Breakdown of the observations by population include African in 28 of 23954 chromosomes (freq: 0.001169), Other in 31 (1 homozygous) of 6444 chromosomes (freq: 0.004811), Latino in 109 (1 homozygous) of 34292 chromosomes (freq: 0.003179), European (Non-Finnish) in 684 (1 homozygous) of 125890 chromosomes (freq: 0.005433), Ashkenazi Jewish in 43 of 10090 chromosomes (freq: 0.004262), European (Finnish) in 8 of 25752 chromosomes (freq: 0.000311), and South Asian in 52 of 30556 chromosomes (freq: 0.001702), while the variant was not observed in the East Asian populations. The variant is classified as a benign polymorphism in the literature (Akbari_2010_20723205, Clague_2011_21980511, Coulet_2013_22725699, Jonson_2015_26740214, Kushnir_2012_23117857, Leeneer_2012_22370629, Lu_2012_22476429, Meindl_2009_20400964, Osorio_2012_22451500). In vivo yeast functional studies have shown no detectable difference in expression versus the wild type allele (Clague_2011_21980511). In addition, Jonson (2015_26740214) has reported that the variant to be co-occurring in three individuals with a disease-causing RAD51C (c.945dupT), BRCA1 (p.Gln563Ter) or BRCA2 (c.5164_5165delAG) mutation, increasing the likelihood that the p.Ala126Thr variant does not have clinical significance. The p.Ala126Thr residue is not conserved in mammals and four out of five computational analyses (PolyPhen-2, SIFT, AlignGVGD, BLOSUM, MutationTaster) do not suggest a high likelihood of impact to the protein; however, this information is not predictive enough to rule out pathogenicity. The variant occurs outside of the splicing consensus sequence and in silico or computational prediction software programs (SpliceSiteFinder, MaxEntScan, NNSPLICE, GeneSplicer, HumanSpliceFinder) do not predict a difference in splicing. In summary, based on the above information this variant meets our laboratory's criteria to be classified as benign.

Diagnostic Laboratory, Department of Genetics, University Medical Center Groningen
Classification: Likely benign. Review status: no assertion criteria provided. Collection method: clinical testing. Allele origin: germline. Affected: yes. Study: VKGL Data-share Consensus. Not counted in ClinVar's aggregate classification.

Genome Diagnostics Laboratory, Amsterdam University Medical Center
Classification: Benign. Review status: no assertion criteria provided. Collection method: clinical testing. Allele origin: germline. Affected: yes. Study: VKGL Data-share Consensus. Not counted in ClinVar's aggregate classification.

Joint Genome Diagnostic Labs from Nijmegen and Maastricht, Radboudumc and MUMC+
Classification: Likely benign. Review status: no assertion criteria provided. Collection method: clinical testing. Allele origin: germline. Affected: yes. Study: VKGL Data-share Consensus. Not counted in ClinVar's aggregate classification.

Laboratory of Diagnostic Genome Analysis, Leiden University Medical Center (LUMC)
Classification: Likely benign. Review status: no assertion criteria provided. Collection method: clinical testing. Allele origin: germline. Affected: yes. Study: VKGL Data-share Consensus. Not counted in ClinVar's aggregate classification.

Literature cited by the submitters: PubMed 20400964 (cited by Quest Diagnostics Nichols Institute San Juan Capistrano and Counsyl); PubMed 21990120 (cited by Quest Diagnostics Nichols Institute San Juan Capistrano and Counsyl); PubMed 20723205 (cited by Quest Diagnostics Nichols Institute San Juan Capistrano); PubMed 21980511 (cited by Quest Diagnostics Nichols Institute San Juan Capistrano and Counsyl); PubMed 22476429 (cited by Quest Diagnostics Nichols Institute San Juan Capistrano); PubMed 22451500 (cited by Quest Diagnostics Nichols Institute San Juan Capistrano); PubMed 26740214 (cited by Counsyl); PubMed 24082139 (cited by Counsyl).